The following is an entry in ClinVar:

NM_001232.4(CASQ2):c.320-2A>G

Gene: CASQ2 (calsequestrin 2; minus strand). Cytogenetic location: 1p13.1.
Variant type: single nucleotide variant.
Coding change: c.320-2A>G on transcript NM_001232.4 (MANE Select); the canonical splice acceptor site of the intron before coding-DNA position 320, A replaced by G.
Molecular consequence: splice acceptor variant.
Genome position (GRCh38, 1-based): chr1:115,740,830, T>C on the plus strand (A>G on the coding strand, the complement: CASQ2 is on the minus strand). VCF-style: chr1-115740830-T-C. GRCh37 (hg19) VCF-style: chr1-116283451-T-C.
Identifiers: ClinVar variation 3236407 (VCV003236407.3), dbSNP rs2526018764, ClinGen allele CA341764557.

ClinVar aggregate classification (germline): Pathogenic. Review status: criteria provided, multiple submitters, no conflicts (2 of 4 stars). 2 submissions from 2 submitters: Pathogenic (2). Last evaluated 2023-03-06.

Conditions:
Catecholaminergic polymorphic ventricular tachycardia 2. Also called: VENTRICULAR TACHYCARDIA, STRESS-INDUCED POLYMORPHIC 2; CASQ2-Related Catecholaminergic Polymorphic Ventricular Tachycardia. Identifiers: Orphanet 3286, MedGen C2677794, MONDO:0012762, OMIM 611938.
Catecholaminergic polymorphic ventricular tachycardia 1. Also called: VENTRICULAR TACHYCARDIA, CATECHOLAMINERGIC POLYMORPHIC, 1, WITH OR WITHOUT ATRIAL DYSFUNCTION AND/OR DILATED CARDIOMYOPATHY; VENTRICULAR TACHYCARDIA, STRESS-INDUCED POLYMORPHIC 1; RYR2-Related Catecholaminergic Polymorphic Ventricular Tachycardia. Identifiers: Orphanet 3286, MedGen C1631597, MONDO:0011484, OMIM 604772.

Allele frequency attached by ClinVar (database versions not stated): gnomAD exomes below 0.00001.
gnomAD v4.1: 1 of 1,600,624 alleles (0.000062%); highest among the groups gnomAD compares: Non-Finnish European, 0.000086%; no homozygotes.

Submissions (2):

Department of Pathology and Laboratory Medicine, Sinai Health System
Classification: Pathogenic for Catecholaminergic polymorphic ventricular tachycardia 1; Catecholaminergic polymorphic ventricular tachycardia 2. Last evaluated: 2023-03-06. Review status: criteria provided, single submitter. Criteria: ACMG Guidelines, 2015. Collection method: research. Allele origin: germline.

Neuberg Centre For Genomic Medicine, NCGM
Classification: Pathogenic for Catecholaminergic polymorphic ventricular tachycardia 2. Review status: criteria provided, single submitter. Criteria: ACMG Guidelines, 2015. Collection method: clinical testing. Allele origin: germline. Inheritance: Autosomal recessive inheritance. Affected: yes.
Comment: The splice acceptor c.320-2A>G variant in CASQ2 gene has been reported previously in an individual affected with catecholaminergic polymorphic ventricular tachycardia Ng et al. 2020. The c.320-2A>G variant is novel not in any individuals in both gnomAD Exomes and 1000 Genomes databases. This variant has not been reported to the ClinVar database. Splice AI predicts an accetor loss of 1.00 for this variant. Loss of function variants in CASQ2 gene have been previously reported to be disease causing. For these reasons, this variant has been classified as Pathogenic.